The following is an entry in ClinVar:

NM_005859.5(PURA):c.139G>A (p.Gly47Ser)

Gene: PURA (purine rich element binding protein A; plus strand). Cytogenetic location: 5q31.3.
Variant type: single nucleotide variant.
Coding change: c.139G>A on transcript NM_005859.5 (MANE Select); coding-DNA position 139, G replaced by A.
Protein change: p.Gly47Ser; replaces glycine 47 with serine.
Molecular consequence: missense variant.
Genome position (GRCh38, 1-based): chr5:140,114,320, G>A. VCF-style: chr5-140114320-G-A. GRCh37 (hg19) VCF-style: chr5-139493905-G-A.
Other names: short protein forms G47S.
Identifiers: ClinVar variation 1711612 (VCV001711612.30), dbSNP rs1763039495, ClinGen allele CA361489536.

ClinVar aggregate classification (germline): Uncertain significance (1 of 4 stars; one submission).

Allele frequency attached by ClinVar (database versions not stated): TOPMed 0.00001.

Submission:

CeGaT Center for Human Genetics Tuebingen
Classification: Uncertain significance. Last evaluated: 2022-09-01. Review status: criteria provided, single submitter. Criteria: CeGaT Center For Human Genetics Tuebingen Variant Classification Criteria Version 2. Collection method: clinical testing. Allele origin: germline. Affected: yes. Observed: 1 variant allele.
Comment: PURA: PM2, PS2:Moderate, PP2